The following is an entry in ClinVar:

ClinVar aggregate classification (germline): Benign. Review status: criteria provided, multiple submitters, no conflicts (2 of 4 stars). 12 submissions from 11 submitters: Benign (12). Last evaluated 2026-09-21.

Conditions:
Fibromuscular dysplasia, multifocal. Identifiers: MedGen C5543412, MONDO:0859151, OMIM 619329.
Ehlers-Danlos syndrome, classic type, 1 (EDSCL1). Also called: Ehlers-Danlos Syndrome, Classic Type, COL5A1-Related; EHLERS-DANLOS SYNDROME, GRAVIS TYPE; EHLERS-DANLOS SYNDROME, SEVERE CLASSIC TYPE; Ehlers-Danlos syndrome, type 1; EDS I. Identifiers: MedGen C0268335, MONDO:0019567, OMIM 130000.
Ehlers-Danlos syndrome (EDS). Identifiers: Orphanet 98249, MedGen C0013720, MONDO:0020066.
Ehlers-Danlos syndrome, classic type (cEDS). Identifiers: Orphanet 287, MedGen C4225429, MONDO:0007522.

Allele frequency attached by ClinVar (database versions not stated): gnomAD exomes 0.00384 and 0.00145; gnomAD 0.01382 and 0.01472; ESP Exome Variant Server 0.01622; 1000 Genomes Project 0.01438; 1000 Genomes Project 30x 0.01655; TOPMed 0.01536; ExAC 0.00516.
gnomAD v4.1: 4,324 of 1,612,836 alleles (0.27%); highest among the groups gnomAD compares: African/African-American, 4.7%; 91 homozygotes.

Submissions (12):

Molecular Diagnostic Laboratory for Inherited Cardiovascular Disease, Montreal Heart Institute
Classification: Benign. Last evaluated: 2026-09-21. Review status: criteria provided, single submitter. Criteria: ACMG Guidelines, 2015. Collection method: clinical testing. Allele origin: germline. Affected: no.
Comment: BS1

Labcorp Genetics (formerly Invitae), Labcorp
Classification: Benign for Ehlers-Danlos syndrome, classic type, 1. Last evaluated: 2026-02-04. Review status: criteria provided, single submitter. Criteria: Invitae Variant Classification Sherloc (09022015). Collection method: clinical testing. Allele origin: germline.

Blueprint Genetics
Classification: Benign. Last evaluated: 2024-11-25. Review status: criteria provided, single submitter. Criteria: ACMG Guidelines, 2015. Collection method: clinical testing. Allele origin: germline.

Women's Health and Genetics/Laboratory Corporation of America, LabCorp
Classification: Benign. Last evaluated: 2023-07-21. Review status: criteria provided, single submitter. Criteria: LabCorp Variant Classification Summary - May 2015. Collection method: clinical testing. Allele origin: germline.

Mayo Clinic Laboratories, Mayo Clinic
Classification: Benign. Last evaluated: 2023-03-15. Review status: criteria provided, single submitter. Criteria: ACMG Guidelines, 2015. Collection method: clinical testing. Allele origin: germline. Observed: 22 variant alleles.
Comment: BS1, BS2, BP4, BP7

Genome-Nilou Lab
Classification: Benign for Ehlers-Danlos syndrome, classic type, 1. Last evaluated: 2022-03-15. Review status: criteria provided, single submitter. Criteria: ACMG Guidelines, 2015. Collection method: clinical testing. Allele origin: germline. Affected: no.

Genome-Nilou Lab
Classification: Benign for Fibromuscular dysplasia, multifocal. Last evaluated: 2022-03-15. Review status: criteria provided, single submitter. Criteria: ACMG Guidelines, 2015. Collection method: clinical testing. Allele origin: germline. Affected: no.

ARUP Laboratories, Molecular Genetics and Genomics, ARUP Laboratories
Classification: Benign. Last evaluated: 2020-12-30. Review status: criteria provided, single submitter. Criteria: ARUP Molecular Germline Variant Investigation Process 2021. Collection method: clinical testing. Allele origin: germline.

Genome Diagnostics Laboratory, The Hospital for Sick Children
Classification: Benign for Ehlers-Danlos syndrome. Last evaluated: 2020-04-01. Review status: criteria provided, single submitter. Criteria: ACMG Guidelines, 2015. Collection method: clinical testing. Allele origin: germline.

Illumina Laboratory Services, Illumina
Classification: Benign for Ehlers-Danlos syndrome, classic type, 1. Last evaluated: 2018-01-13. Review status: criteria provided, single submitter. Criteria: ICSL Variant Classification Criteria 13 December 2019. Collection method: clinical testing. Allele origin: germline.
Comment: This variant was observed in the ICSL laboratory as part of a predisposition screen in an ostensibly healthy population. It had not been previously curated by ICSL or reported in the Human Gene Mutation Database (HGMD: prior to June 1st, 2018), and was therefore a candidate for classification through an automated scoring system. Utilizing variant allele frequency, disease prevalence and penetrance estimates, and inheritance mode, an automated score was calculated to assess if this variant is too frequent to cause the disease. Based on the score and internal cut-off values, a variant classified as benign is not then subjected to further curation. The score for this variant resulted in a classification of benign for this disease.

GeneDx
Classification: Benign. Last evaluated: 2013-04-15. Review status: criteria provided, single submitter. Criteria: GeneDx Variant Classification (06012015). Collection method: clinical testing. Allele origin: germline. Affected: yes.
Comment: This variant is considered likely benign or benign based on one or more of the following criteria: it is a conservative change, it occurs at a poorly conserved position in the protein, it is predicted to be benign by multiple in silico algorithms, and/or has population frequency not consistent with disease.

PreventionGenetics, part of Exact Sciences
Classification: Benign. Review status: criteria provided, single submitter. Criteria: ACMG Guidelines, 2015. Collection method: clinical testing. Allele origin: germline.

NM_000093.5(COL5A1):c.5068-7T>C

Genes: COL5A1 (collagen type V alpha 1 chain; plus strand), LOC101448202 (uncharacterized LOC101448202; minus strand). Cytogenetic location: 9q34.3.
Variant type: single nucleotide variant.
Coding change: c.5068-7T>C on transcript NM_000093.5 (MANE Select); 7 bases into the intron before coding-DNA position 5068, T replaced by C.
Molecular consequence: intron variant.
Genome position (GRCh38, 1-based): chr9:134,829,969, T>C. VCF-style: chr9-134829969-T-C. GRCh37 (hg19) VCF-style: chr9-137721815-T-C.
Other names: p.?; c.5068-139T>C (NM_001278074.1).
Identifiers: ClinVar variation 136908 (VCV000136908.33), dbSNP rs113256540, ClinGen allele CA290308.
Genomic context (GRCh38, chr9:134,829,969, plus strand): 5'-TGGAGGCCGGAGAAGTAACCCTTTTGTTCTGTTTCTCTCCCTCCCCACCTCCCCGCTGCA[T>C]GTTTAGGCCAGAATCACTTCTTGGCCCAAAGAAAACCCGGGCTCCTGGTTCAGTGAATTC-3'